The following is an entry in ClinVar:

ClinVar aggregate classification (germline): Likely benign (1 of 4 stars; one submission).

gnomAD v4.1: 867 of 1,602,812 alleles (0.054%); highest among the groups gnomAD compares: Non-Finnish European, 0.069%; no homozygotes.

Submission:

CeGaT Center for Human Genetics Tuebingen
Classification: Likely benign. Last evaluated: 2025-12-01. Review status: criteria provided, single submitter. Criteria: CeGaT Center For Human Genetics Tuebingen Variant Classification Criteria Version 2. Collection method: clinical testing. Allele origin: germline. Affected: yes. Observed: 2 variant alleles.
Comment: SNAPC4: BP4, BP7

NM_003086.4(SNAPC4):c.4173A>G (p.Ser1391=)

Gene: SNAPC4 (small nuclear RNA activating complex polypeptide 4; minus strand). Cytogenetic location: 9q34.3.
Variant type: single nucleotide variant.
Coding change: c.4173A>G on transcript NM_003086.4 (MANE Select); coding-DNA position 4173, A replaced by G.
Protein change: p.Ser1391=; no amino-acid change (serine 1391 retained).
Molecular consequence: synonymous variant.
Genome position (GRCh38, 1-based): chr9:136,377,654, T>C on the plus strand (A>G on the coding strand, the complement: SNAPC4 is on the minus strand). VCF-style: chr9-136377654-T-C. GRCh37 (hg19) VCF-style: chr9-139272106-T-C.
Other names: c.4089A>G, p.Ser1363= (NM_001394202.1, NM_001394203.1); c.4173A>G, p.Ser1391= (NM_001394201.1).
Identifiers: ClinVar variation 3770702 (VCV003770702.13).